The following is an entry in ClinVar:

NM_001164665.2(KIAA1549):c.3560T>C (p.Val1187Ala)

Gene: KIAA1549 (KIAA1549; minus strand). Cytogenetic location: 7q34.
Variant type: single nucleotide variant.
Coding change: c.3560T>C on transcript NM_001164665.2 (MANE Select); coding-DNA position 3560, T replaced by C.
Protein change: p.Val1187Ala; replaces valine 1187 with alanine.
Molecular consequence: missense variant.
Genome position (GRCh38, 1-based): chr7:138,903,697, A>G on the plus strand (T>C on the coding strand, the complement: KIAA1549 is on the minus strand). VCF-style: chr7-138903697-A-G. GRCh37 (hg19) VCF-style: chr7-138588443-A-G.
Other names: c.3560T>C, p.Val1187Ala (NM_020910.3); short protein forms V1187A.
Identifiers: ClinVar variation 939831 (VCV000939831.8), dbSNP rs763332062, ClinGen allele CA4506181.
Genomic context (GRCh38, chr7:138,903,697, plus strand): 5'-CTTCTGGTGGAAACCTCGCTGAGCAGCTGGGCCAGCTTGCGTTCCATCTCGGCTTGAAAC[A>G]CTTCATTCTGGAGTTGCTTCTCCATGACGCCCAGGAGAACTACATTTAAATGAAAACATA-3'
Protein context (NP_001158137.1, residues 1177-1197): GVMEKQLQNE[Val1187Ala]FQAEMERKLA

ClinVar aggregate classification (germline): Uncertain significance. Review status: criteria provided, multiple submitters, no conflicts (2 of 4 stars). 2 submissions from 2 submitters: Uncertain significance (2). Last evaluated 2024-02-17.

Conditions:
Inborn genetic diseases. Identifiers: MedGen C0950123, MeSH D030342.

Allele frequency attached by ClinVar (database versions not stated): gnomAD below 0.00001 and 0.00002; TOPMed 0.00002; gnomAD exomes 0.00003 and 0.00006; ExAC 0.00011.
gnomAD v4.1: 45 of 1,606,570 alleles (0.0028%); highest among the groups gnomAD compares: Middle Eastern, 0.13%; no homozygotes.

Submissions (2):

Labcorp Genetics (formerly Invitae), Labcorp
Classification: Uncertain significance. Last evaluated: 2024-02-17. Review status: criteria provided, single submitter. Criteria: Invitae Variant Classification Sherloc (09022015). Collection method: clinical testing. Allele origin: germline.
Comment: This sequence change replaces valine, which is neutral and non-polar, with alanine, which is neutral and non-polar, at codon 1187 of the KIAA1549 protein (p.Val1187Ala). This variant is present in population databases (rs763332062, gnomAD 0.03%). This variant has not been reported in the literature in individuals affected with KIAA1549-related conditions. ClinVar contains an entry for this variant (Variation ID: 939831). An algorithm developed to predict the effect of missense changes on protein structure and function (PolyPhen-2) suggests that this variant is likely to be disruptive. In summary, the available evidence is currently insufficient to determine the role of this variant in disease. Therefore, it has been classified as a Variant of Uncertain Significance.

Ambry Genetics
Classification: Uncertain significance for Inborn genetic diseases. Last evaluated: 2023-12-16. Review status: criteria provided, single submitter. Criteria: Ambry Variant Classification Scheme 2023. Collection method: clinical testing. Allele origin: germline.